The following is an entry in ClinVar:

ClinVar aggregate classification (germline): Uncertain significance. Review status: criteria provided, multiple submitters, no conflicts (2 of 4 stars). 2 submissions from 2 submitters: Uncertain significance (2). Last evaluated 2025-10-17.

Conditions:
Cardiovascular phenotype. Identifiers: MedGen CN230736.
Hereditary cancer-predisposing syndrome. Also called: Neoplastic Syndromes, Hereditary; Hereditary Cancer Syndrome; Tumor predisposition; Hereditary neoplastic syndrome. Identifiers: Orphanet 140162, MedGen C0027672, MeSH D009386, MONDO:0015356.
Neurofibromatosis, type 1 (NF1). Also called: NEUROFIBROMATOSIS, TYPE I, SOMATIC; VON RECKLINGHAUSEN DISEASE; Peripheral type neurofibromatosis; Neurofibromatosis, type I. Identifiers: Orphanet 636, MedGen C0027831, MONDO:0018975, OMIM 162200. Disease mechanism: loss of function.

Allele frequency attached by ClinVar (database versions not stated): TOPMed below 0.00001; gnomAD 0.00001.
gnomAD v4.1: 1 of 1,614,076 alleles (0.000062%); highest among the groups gnomAD compares: Non-Finnish European, 0.000085%; no homozygotes.

Submissions (2):

Labcorp Genetics (formerly Invitae), Labcorp
Classification: Uncertain significance for Neurofibromatosis, type 1. Last evaluated: 2025-10-17. Review status: criteria provided, single submitter. Criteria: Invitae Variant Classification Sherloc (09022015). Collection method: clinical testing. Allele origin: germline.
Comment: This sequence change replaces cysteine, which is neutral and slightly polar, with glycine, which is neutral and non-polar, at codon 324 of the NF1 protein (p.Cys324Gly). This variant is not present in population databases (gnomAD no frequency). This variant has not been reported in the literature in individuals affected with NF1-related conditions. ClinVar contains an entry for this variant (Variation ID: 1467306). Invitae Evidence Modeling of protein sequence and biophysical properties (such as structural, functional, and spatial information, amino acid conservation, physicochemical variation, residue mobility, and thermodynamic stability) indicates that this missense variant is not expected to disrupt NF1 protein function with a negative predictive value of 95%. In summary, the available evidence is currently insufficient to determine the role of this variant in disease. Therefore, it has been classified as a Variant of Uncertain Significance.

Ambry Genetics
Classification: Uncertain significance for Cardiovascular phenotype; Hereditary cancer-predisposing syndrome. Last evaluated: 2024-06-30. Review status: criteria provided, single submitter. Criteria: Ambry Variant Classification Scheme 2023. Collection method: clinical testing. Allele origin: germline.
Comment: The p.C324G variant (also known as c.970T>G), located in coding exon 9 of the NF1 gene, results from a T to G substitution at nucleotide position 970. The cysteine at codon 324 is replaced by glycine, an amino acid with highly dissimilar properties. This amino acid position is conserved. In addition, the in silico prediction for this alteration is inconclusive. Based on the available evidence, the clinical significance of this variant remains unclear.

NM_001042492.3(NF1):c.970T>G (p.Cys324Gly)

Gene: NF1 (neurofibromin 1; plus strand). Cytogenetic location: 17q11.2.
Variant type: single nucleotide variant.
Coding change: c.970T>G on transcript NM_001042492.3 (MANE Select); coding-DNA position 970, T replaced by G.
Protein change: p.Cys324Gly; replaces cysteine 324 with glycine.
Molecular consequence: missense variant.
Genome position (GRCh38, 1-based): chr17:31,200,503, T>G. VCF-style: chr17-31200503-T-G. GRCh37 (hg19) VCF-style: chr17-29527521-T-G.
Other names: c.970T>G, p.Cys324Gly (NM_000267.4, NM_001128147.3); short protein forms C324G.
Identifiers: ClinVar variation 1467306 (VCV001467306.9), dbSNP rs199474735, ClinGen allele CA398995981.